The following is an entry in ClinVar:

NM_000081.4(LYST):c.5614G>A (p.Val1872Ile)

Gene: LYST (lysosomal trafficking regulator; minus strand). Cytogenetic location: 1q42.3.
Variant type: single nucleotide variant.
Coding change: c.5614G>A on transcript NM_000081.4 (MANE Select); coding-DNA position 5614, G replaced by A.
Protein change: p.Val1872Ile; replaces valine 1872 with isoleucine.
Molecular consequence: missense variant.
Genome position (GRCh38, 1-based): chr1:235,774,933, C>T on the plus strand (G>A on the coding strand, the complement: LYST is on the minus strand). VCF-style: chr1-235774933-C-T. GRCh37 (hg19) VCF-style: chr1-235938233-C-T.
Other names: c.5614G>A (NM_000081.2); c.5614G>A, p.Val1872Ile (NM_001301365.1); short protein forms V1872I.
Identifiers: ClinVar variation 972456 (VCV000972456.5), dbSNP rs747566049, ClinGen allele CA1466588.

ClinVar aggregate classification (germline): Uncertain significance. Review status: criteria provided, multiple submitters, no conflicts (2 of 4 stars). 2 submissions from 2 submitters: Uncertain significance (2). Last evaluated 2023-11-18.

Conditions:
Chédiak-Higashi syndrome (CHS). Also called: Chediak-Higashi Syndrome. Identifiers: Orphanet 167, MedGen C0007965, MONDO:0008963, OMIM 214500.
Inborn genetic diseases. Identifiers: MedGen C0950123, MeSH D030342.

Allele frequency attached by ClinVar (database versions not stated): ExAC 0.00002; gnomAD 0.00006; TOPMed 0.00015.
gnomAD v4.1: 27 of 1,609,246 alleles (0.0017%); highest among the groups gnomAD compares: Admixed American, 0.027%; no homozygotes.

Submissions (2):

Ambry Genetics
Classification: Uncertain significance for Inborn genetic diseases. Last evaluated: 2023-11-18. Review status: criteria provided, single submitter. Criteria: Ambry Variant Classification Scheme 2023. Collection method: clinical testing. Allele origin: germline.

Labcorp Genetics (formerly Invitae), Labcorp
Classification: Uncertain significance for Chédiak-Higashi syndrome. Last evaluated: 2021-11-11. Review status: criteria provided, single submitter. Criteria: Invitae Variant Classification Sherloc (09022015). Collection method: clinical testing. Allele origin: germline.
Comment: This sequence change replaces valine, which is neutral and non-polar, with isoleucine, which is neutral and non-polar, at codon 1872 of the LYST protein (p.Val1872Ile). This variant is present in population databases (rs747566049, gnomAD 0.009%). This variant has not been reported in the literature in individuals affected with LYST-related conditions. ClinVar contains an entry for this variant (Variation ID: 972456). Algorithms developed to predict the effect of missense changes on protein structure and function are either unavailable or do not agree on the potential impact of this missense change (SIFT: "Tolerated"; PolyPhen-2: "Probably Damaging"; Align-GVGD: "Class C0"). In summary, the available evidence is currently insufficient to determine the role of this variant in disease. Therefore, it has been classified as a Variant of Uncertain Significance.